The following is an entry in ClinVar:

NM_000222.3(KIT):c.2697-3C>T

Gene: KIT (KIT proto-oncogene, receptor tyrosine kinase; plus strand). Cytogenetic location: 4q12.
Variant type: single nucleotide variant.
Coding change: c.2697-3C>T on transcript NM_000222.3 (MANE Select); 3 bases into the intron before coding-DNA position 2697, C replaced by T.
Molecular consequence: intron variant.
Genome position (GRCh38, 1-based): chr4:54,737,172, C>T. VCF-style: chr4-54737172-C-T. GRCh37 (hg19) VCF-style: chr4-55603338-C-T.
Other names: c.2700-3C>T (NM_001385284.1); c.2697-3C>T (NM_001385290.1); c.2688-3C>T (NM_001385288.1); c.2685-3C>T (NM_001385292.1, NM_001093772.2); c.2694-3C>T (NM_001385285.1); c.2682-3C>T (NM_001385286.1).
Identifiers: ClinVar variation 956418 (VCV000956418.10), dbSNP rs1722967172, ClinGen allele CA1139658095.

ClinVar aggregate classification (germline): Uncertain significance (1 of 4 stars; one submission).

Conditions:
Gastrointestinal stromal tumor. Also called: Gastrointestinal stromal tumor, somatic; Gastrointestinal stroma tumor. Identifiers: Orphanet 44890, MedGen C0238198, MeSH D046152, MONDO:0011719, OMIM 606764, HP:0100723.

Submission:

Labcorp Genetics (formerly Invitae), Labcorp
Classification: Uncertain significance for Gastrointestinal stromal tumor. Last evaluated: 2022-11-04. Review status: criteria provided, single submitter. Criteria: Invitae Variant Classification Sherloc (09022015). Collection method: clinical testing. Allele origin: germline.
Comment: In summary, the available evidence is currently insufficient to determine the role of this variant in disease. Therefore, it has been classified as a Variant of Uncertain Significance. This sequence change falls in intron 19 of the KIT gene. It does not directly change the encoded amino acid sequence of the KIT protein. It affects a nucleotide within the consensus splice site. This variant is not present in population databases (gnomAD no frequency). This variant has not been reported in the literature in individuals affected with KIT-related conditions. ClinVar contains an entry for this variant (Variation ID: 956418). Variants that disrupt the consensus splice site are a relatively common cause of aberrant splicing (PMID: 17576681, 9536098). Algorithms developed to predict the effect of sequence changes on RNA splicing suggest that this variant is not likely to affect RNA splicing.

Literature cited by the submitters: PubMed 17576681; PubMed 9536098.